The following is an entry in ClinVar:

ClinVar aggregate classification (germline): Uncertain significance (1 of 4 stars; one submission).

Conditions:
Dilated cardiomyopathy 1G (CMD1G). Identifiers: Orphanet 154, MedGen C1858763, MONDO:0011400, OMIM 604145.
Autosomal recessive limb-girdle muscular dystrophy type 2J (LGMDR10). Also called: Limb-girdle muscular dystrophy, type 2J; MUSCULAR DYSTROPHY, LIMB-GIRDLE, AUTOSOMAL RECESSIVE 10. Identifiers: Orphanet 140922, MedGen C1837342, MONDO:0012127, OMIM 608807.

gnomAD v4.1: 1 of 1,613,822 alleles (0.000062%); highest among the groups gnomAD compares: African/African-American, 0.0013%; no homozygotes.

Submission:

Labcorp Genetics (formerly Invitae), Labcorp
Classification: Uncertain significance for Dilated cardiomyopathy 1G; Autosomal recessive limb-girdle muscular dystrophy type 2J. Last evaluated: 2025-03-03. Review status: criteria provided, single submitter. Criteria: Invitae Variant Classification Sherloc (09022015). Collection method: clinical testing. Allele origin: germline.
Comment: This sequence change replaces alanine, which is neutral and non-polar, with glycine, which is neutral and non-polar, at codon 34635 of the TTN protein (p.Ala34635Gly). This variant is not present in population databases (gnomAD no frequency). This variant has not been reported in the literature in individuals affected with TTN-related conditions. Experimental studies and prediction algorithms are not available or were not evaluated, and the functional significance of this variant is currently unknown. This variant is located in the M band of TTN (PMID: 25589632). Non-truncating variants in this region may be relevant for neuromuscular disorders, but have not been definitively shown to cause cardiomyopathy (PMID: 23975875). In summary, the available evidence is currently insufficient to determine the role of this variant in disease. Therefore, it has been classified as a Variant of Uncertain Significance.

Literature cited by the submitters: PubMed 25589632; PubMed 23975875.

NM_001267550.2(TTN):c.103904C>G (p.Ala34635Gly)

Genes: TTN-AS1 (TTN antisense RNA 1; plus strand), TTN (titin; minus strand). Cytogenetic location: 2q31.2.
Variant type: single nucleotide variant.
Coding change: c.103904C>G on transcript NM_001267550.2 (MANE Select); coding-DNA position 103904, C replaced by G.
Protein change: p.Ala34635Gly; replaces alanine 34635 with glycine.
Molecular consequence: missense variant.
Genome position (GRCh38, 1-based): chr2:178,532,711, G>C on the plus strand (C>G on the coding strand, the complement: TTN is on the minus strand). VCF-style: chr2-178532711-G-C. GRCh37 (hg19) VCF-style: chr2-179397438-G-C.
Other names: c.98981C>G, p.Ala32994Gly (NM_001256850.1); c.76709C>G, p.Ala25570Gly (NM_003319.4); c.96200C>G, p.Ala32067Gly (NM_133378.4); c.77084C>G, p.Ala25695Gly (NM_133432.3); c.77285C>G, p.Ala25762Gly (NM_133437.4); short protein forms A25570G, A25695G, A25762G, A32067G, A32994G, A34635G.
Identifiers: ClinVar variation 3748903 (VCV003748903.2).